The following is an entry in ClinVar:

ClinVar aggregate classification (germline): Uncertain significance (1 of 4 stars; one submission).

Allele frequency attached by ClinVar (database versions not stated): gnomAD exomes below 0.00001; ExAC 0.00001; TOPMed 0.00001.
gnomAD v4.1: 3 of 1,613,114 alleles (0.00019%); highest among the groups gnomAD compares: East Asian, 0.0022%; no homozygotes.

Submission:

Labcorp Genetics (formerly Invitae), Labcorp
Classification: Uncertain significance. Last evaluated: 2023-11-27. Review status: criteria provided, single submitter. Criteria: Invitae Variant Classification Sherloc (09022015). Collection method: clinical testing. Allele origin: germline.
Comment: This sequence change replaces isoleucine, which is neutral and non-polar, with valine, which is neutral and non-polar, at codon 1072 of the LRP5 protein (p.Ile1072Val). This variant is present in population databases (rs776150382, gnomAD 0.0009%). This variant has not been reported in the literature in individuals affected with LRP5-related conditions. ClinVar contains an entry for this variant (Variation ID: 1481884). Advanced modeling of protein sequence and biophysical properties (such as structural, functional, and spatial information, amino acid conservation, physicochemical variation, residue mobility, and thermodynamic stability) performed at Invitae indicates that this missense variant is not expected to disrupt LRP5 protein function with a negative predictive value of 95%. In summary, the available evidence is currently insufficient to determine the role of this variant in disease. Therefore, it has been classified as a Variant of Uncertain Significance.

NM_002335.4(LRP5):c.3214A>G (p.Ile1072Val)

Gene: LRP5 (LDL receptor related protein 5; plus strand). Cytogenetic location: 11q13.2.
Variant type: single nucleotide variant.
Coding change: c.3214A>G on transcript NM_002335.4 (MANE Select); coding-DNA position 3214, A replaced by G.
Protein change: p.Ile1072Val; replaces isoleucine 1072 with valine.
Molecular consequence: missense variant.
Genome position (GRCh38, 1-based): chr11:68,423,675, A>G. VCF-style: chr11-68423675-A-G. GRCh37 (hg19) VCF-style: chr11-68191143-A-G.
Other names: c.1471A>G, p.Ile491Val (NM_001291902.2); short protein forms I491V, I1072V.
Identifiers: ClinVar variation 1481884 (VCV001481884.6), dbSNP rs776150382, ClinGen allele CA6149876.